The following is an entry in ClinVar:

NM_004535.3(MYT1):c.783C>T (p.Asp261=)

Gene: MYT1 (myelin transcription factor 1; plus strand). Cytogenetic location: 20q13.33.
Variant type: single nucleotide variant.
Coding change: c.783C>T on transcript NM_004535.3 (MANE Select); coding-DNA position 783, C replaced by T.
Protein change: p.Asp261=; no amino-acid change (aspartic acid 261 retained).
Molecular consequence: synonymous variant.
Genome position (GRCh38, 1-based): chr20:64,207,979, C>T. VCF-style: chr20-64207979-C-T. GRCh37 (hg19) VCF-style: chr20-62839332-C-T.
Identifiers: ClinVar variation 731299 (VCV000731299.8), dbSNP rs138499052, ClinGen allele CA9974663.

ClinVar aggregate classification (germline): Likely benign. Review status: criteria provided, multiple submitters, no conflicts (2 of 4 stars). 4 submissions from 4 submitters: Likely benign (3). 1 of the submissions does not count toward it. Last evaluated 2024-11-21.

Conditions:
MYT1-related disorder. Also called: MYT1-related condition.

Allele frequency attached by ClinVar (database versions not stated): 1000 Genomes Project 0.00100; ESP Exome Variant Server 0.00100; gnomAD 0.00145; ExAC 0.00166; gnomAD exomes 0.00183.
gnomAD v4.1: 2,455 of 1,569,268 alleles (0.16%); highest among the groups gnomAD compares: South Asian, 0.36%; 5 homozygotes.

Submissions (4):

Blueprint Genetics
Classification: Likely benign. Last evaluated: 2024-11-21. Review status: criteria provided, single submitter. Criteria: ACMG Guidelines, 2015. Collection method: clinical testing. Allele origin: germline.

Labcorp Genetics (formerly Invitae), Labcorp
Classification: Likely benign. Last evaluated: 2019-12-31. Review status: criteria provided, single submitter. Criteria: Invitae Variant Classification Sherloc (09022015). Collection method: clinical testing. Allele origin: germline.

Breakthrough Genomics
Classification: Likely benign. Review status: criteria provided, single submitter. Criteria: ACMG Guidelines, 2015. Collection method: not provided. Allele origin: germline. Inheritance: Unknown mechanism. Affected: yes.

PreventionGenetics, part of Exact Sciences
Classification: Likely benign for MYT1-related condition. Last evaluated: 2019-03-20. Review status: no assertion criteria provided. Collection method: clinical testing. Allele origin: germline. Not counted in ClinVar's aggregate classification.
Comment: This variant is classified as likely benign based on ACMG/AMP sequence variant interpretation guidelines (Richards et al. 2015 PMID: 25741868, with internal and published modifications).